The following is an entry in ClinVar:

NM_024675.4(PALB2):c.109-1G>A

Gene: PALB2 (partner and localizer of BRCA2; minus strand). Cytogenetic location: 16p12.2.
Variant type: single nucleotide variant.
Coding change: c.109-1G>A on transcript NM_024675.4 (MANE Select); the canonical splice acceptor site of the intron before coding-DNA position 109, G replaced by A.
Molecular consequence: splice acceptor variant. On other transcripts: intron variant (3).
Genome position (GRCh38, 1-based): chr16:23,637,953, C>T on the plus strand (G>A on the coding strand, the complement: PALB2 is on the minus strand). VCF-style: chr16-23637953-C-T. GRCh37 (hg19) VCF-style: chr16-23649274-C-T.
Other names: c.-777-1G>A (NM_001407308.1, NM_001407306.1, NM_001407307.1 and 5 more transcripts); c.48+3157G>A (NM_001407314.1); c.-105+3157G>A (NM_001407313.1, NM_001407312.1); c.49-1G>A (NM_001407296.1); c.109-1G>A (NM_001407297.1, NM_001407302.1, NM_001407298.1 and 4 more transcripts).
Identifiers: ClinVar variation 2673827 (VCV002673827.6), dbSNP rs2142458017, ClinGen allele CA395139500.
Genomic context (GRCh38, chr16:23,637,953, plus strand): 5'-ATCTTGTTCTTCTACTGTTTTCTTAATAGAATGCTTAATCTTTTCAGCTCTTTGGGCACG[C>T]TAGAGGAGACAAAAACAGCCCCAGAAATACGTTTTCTTTAAAGTTTTATAGAGTCAAGAA-3'

ClinVar aggregate classification (germline): Pathogenic/Likely pathogenic. Review status: criteria provided, multiple submitters, no conflicts (2 of 4 stars). 4 submissions from 4 submitters: Pathogenic (1); Likely pathogenic (3). Last evaluated 2025-11-01.

Conditions:
Breast-ovarian cancer, familial, susceptibility to, 5 (BROVCA5). Identifiers: MedGen C5830615, MONDO:0957530, OMIM 620442.
Hereditary cancer-predisposing syndrome. Also called: Neoplastic Syndromes, Hereditary; Tumor predisposition; Hereditary Cancer Syndrome; Hereditary neoplastic syndrome. Identifiers: Orphanet 140162, MedGen C0027672, MeSH D009386, MONDO:0015356.
Familial cancer of breast. Also called: hereditary breast carcinoma; BREAST CANCER, FAMILIAL; Hereditary breast cancer. Identifiers: Orphanet 227535, MedGen C0346153, MONDO:0016419, OMIM 114480. Disease mechanism: loss of function.

Submissions (4):

Labcorp Genetics (formerly Invitae), Labcorp
Classification: Pathogenic for Familial cancer of breast. Last evaluated: 2025-11-01. Review status: criteria provided, single submitter. Criteria: Invitae Variant Classification Sherloc (09022015). Collection method: clinical testing. Allele origin: germline.
Comment: This sequence change affects an acceptor splice site in intron 2 of the PALB2 gene. RNA analysis indicates that disruption of this splice site induces altered splicing and may result in an absent or altered protein product. This variant is not present in population databases (gnomAD no frequency). Disruption of this splice site has been observed in individual(s) with breast cancer (PMID: 33811135). ClinVar contains an entry for this variant (Variation ID: 2673827). Studies have shown that disruption of this splice site results in activation of a cryptic splice site, and produces a non-functional protein and/or introduces a premature termination codon (internal data). For these reasons, this variant has been classified as Pathogenic.

Ambry Genetics
Classification: Likely pathogenic for Hereditary cancer-predisposing syndrome. Last evaluated: 2025-05-12. Review status: criteria provided, single submitter. Criteria: Ambry Variant Classification Scheme 2023. Collection method: clinical testing. Allele origin: germline.
Comment: The c.109-1G>A intronic variants results from a G to A substitution one nucleotide before coding exon 3 of the PALB2 gene. Alterations that disrupt the canonical splice site are expected to cause aberrant splicing, resulting in an abnormal protein or a transcript that is subject to nonsense-mediated mRNA decay. This variant was not reported in population-based cohorts in the Genome Aggregation Database (gnomAD). This variant was detected in 1/7840 breast cancer cases and 0/7929 healthy controls from Southeast Asia (Ng, 2022). This nucleotide position is highly conserved in available vertebrate species. In silico splice site analysis predicts that this alteration will weaken the native splice acceptor site and may result in the creation or strengthening of a novel splice acceptor site. Based on the available evidence, this alteration is classified as likely pathogenic.

Myriad Genetics, Inc.
Classification: Likely pathogenic for Familial cancer of breast. Last evaluated: 2023-09-06. Review status: criteria provided, single submitter. Criteria: Myriad Autosomal Dominant, Autosomal Recessive and X-Linked Classification Criteria (2023). Collection method: clinical testing. Allele origin: unknown.
Comment: This variant is considered likely pathogenic. This variant occurs within a consensus splice junction and is predicted to result in abnormal mRNA splicing of either an out-of-frame exon or an in-frame exon necessary for protein stability and/or normal function.

Juno Genomics, Hangzhou Juno Genomics, Inc
Classification: Likely pathogenic for Breast-ovarian cancer, familial, susceptibility to, 5. Review status: criteria provided, single submitter. Criteria: ACMG Guidelines, 2015. Collection method: clinical testing. Allele origin: germline.
Comment: Absent from controls (or at extremely low frequency if recessive) in Genome Aggregation Database.;Null variant in a gene where loss of function (LOF) is a known mechanism of disease.

Literature cited by the submitters: PubMed 33811135 (cited by Labcorp Genetics (formerly Invitae), Labcorp and Ambry Genetics).